The following is an entry in ClinVar:

NM_020975.6(RET):c.1671C>T (p.Thr557=)

Gene: RET (ret proto-oncogene; plus strand). Cytogenetic location: 10q11.21.
Variant type: single nucleotide variant.
Coding change: c.1671C>T on transcript NM_020975.6 (MANE Select); coding-DNA position 1671, C replaced by T.
Protein change: p.Thr557=; no amino-acid change (threonine 557 retained).
Molecular consequence: synonymous variant.
Genome position (GRCh38, 1-based): chr10:43,112,875, C>T. VCF-style: chr10-43112875-C-T. GRCh37 (hg19) VCF-style: chr10-43608323-C-T.
Other names: c.1671C>T, p.Thr557= (NM_000323.2, NM_001406743.1, NM_001406744.1 and 6 more transcripts); c.909C>T, p.Thr303= (NM_001355216.2); c.1542C>T, p.Thr514= (NM_001406761.1, NM_001406762.1, NM_001406764.1 and 1 more transcripts); c.1383C>T, p.Thr461= (NM_001406766.1, NM_001406767.1, NM_001406770.1); c.1275C>T, p.Thr425= (NM_001406769.1, NM_001406772.1); c.1233C>T, p.Thr411= (NM_001406771.1, NM_001406773.1); c.1146C>T, p.Thr382= (NM_001406774.1); c.945C>T, p.Thr315= (NM_001406775.1, NM_001406776.1, NM_001406777.1 and 1 more transcripts); and 5 more.
Identifiers: ClinVar variation 1777705 (VCV001777705.2), dbSNP rs2132813636, ClinGen allele CA469027703.

ClinVar aggregate classification (germline): Uncertain significance (1 of 4 stars; one submission).

Conditions:
Hereditary cancer-predisposing syndrome. Also called: Neoplastic Syndromes, Hereditary; Tumor predisposition; Hereditary Cancer Syndrome; Hereditary neoplastic syndrome. Identifiers: Orphanet 140162, MedGen C0027672, MeSH D009386, MONDO:0015356.

Submission:

Ambry Genetics
Classification: Uncertain significance for Hereditary cancer-predisposing syndrome. Last evaluated: 2022-03-28. Review status: criteria provided, single submitter. Criteria: Ambry Variant Classification Scheme 2023. Collection method: clinical testing. Allele origin: germline.
Comment: The c.1671C>T variant (also known as p.T557T), located in coding exon 9 of the RET gene. This variant results from a C to T substitution at nucleotide position 1671. This nucleotide substitution does not change the at codon 557. This nucleotide position is poorly conserved in available vertebrate species. In silico splice site analysis predicts that this alteration may result in the creation or strengthening of a novel splice acceptor site. Since supporting evidence is limited at this time, the clinical significance of this alteration remains unclear.